The following is an entry in ClinVar:

NM_019032.6(ADAMTSL4):c.1117G>A (p.Ala373Thr)

Genes: ADAMTSL4 (ADAMTS like 4; plus strand), ADAMTSL4-AS2 (ADAMTSL4 antisense RNA 2; minus strand). Cytogenetic location: 1q21.2.
Variant type: single nucleotide variant.
Coding change: c.1117G>A on transcript NM_019032.6 (MANE Select); coding-DNA position 1117, G replaced by A.
Protein change: p.Ala373Thr; replaces alanine 373 with threonine.
Molecular consequence: missense variant.
Genome position (GRCh38, 1-based): chr1:150,554,108, G>A. VCF-style: chr1-150554108-G-A. GRCh37 (hg19) VCF-style: chr1-150526584-G-A.
Other names: c.1117G>A, p.Ala373Thr (NM_001288607.2, NM_001288608.2, NM_001378596.1 and 1 more transcripts); short protein forms A373T.
Identifiers: ClinVar variation 2112209 (VCV002112209.2), dbSNP rs2526621875, ClinGen allele CA342303977.
Genomic context (GRCh38, chr1:150,554,108, plus strand): 5'-AGCCTCTTTGCTCCCAGTAGCCCTATTCCAAGATGTTCTGGGGAGAGTGAACAGCTAAGA[G>A]CCTGCAGCCAAGCGGTGAGTCTCCTCGGGCCTCCCCTCCCAACCCCGACCTCCAGTGTGG-3'
Protein context (NP_061905.2, residues 363-383): RCSGESEQLR[Ala373Thr]CSQAPCPPEQ

ClinVar aggregate classification (germline): Uncertain significance (1 of 4 stars; one submission).

Submission:

Labcorp Genetics (formerly Invitae), Labcorp
Classification: Uncertain significance. Last evaluated: 2022-03-14. Review status: criteria provided, single submitter. Criteria: Invitae Variant Classification Sherloc (09022015). Collection method: clinical testing. Allele origin: germline.
Comment: In summary, the available evidence is currently insufficient to determine the role of this variant in disease. Therefore, it has been classified as a Variant of Uncertain Significance. Algorithms developed to predict the effect of missense changes on protein structure and function (SIFT, PolyPhen-2, Align-GVGD) all suggest that this variant is likely to be disruptive. This variant has not been reported in the literature in individuals affected with ADAMTSL4-related conditions. This variant is not present in population databases (gnomAD no frequency). This sequence change replaces alanine, which is neutral and non-polar, with threonine, which is neutral and polar, at codon 373 of the ADAMTSL4 protein (p.Ala373Thr).